The following is an entry in ClinVar:

NM_001378030.1(CCDC78):c.517C>G (p.Leu173Val)

Gene: CCDC78 (coiled-coil domain containing 78; minus strand). Cytogenetic location: 16p13.3.
Variant type: single nucleotide variant.
Coding change: c.517C>G on transcript NM_001378030.1 (MANE Select); coding-DNA position 517, C replaced by G.
Protein change: p.Leu173Val; replaces leucine 173 with valine.
Molecular consequence: missense variant. On other transcripts: non-coding transcript variant (5).
Genome position (GRCh38, 1-based): chr16:725,121, G>C on the plus strand (C>G on the coding strand, the complement: CCDC78 is on the minus strand). VCF-style: chr16-725121-G-C. GRCh37 (hg19) VCF-style: chr16-775121-G-C.
Other names: c.517C>G, p.Leu173Val (NM_001031737.3, NM_001378031.1); c.155C>G, p.Ala52Gly (NM_001378033.1); short protein forms L173V, A52G.
Identifiers: ClinVar variation 2202347 (VCV002202347.4), dbSNP rs2544033129, ClinGen allele CA394102371.
Genomic context (GRCh38, chr16:725,121, plus strand): 5'-GTGAGATGGCCACTCACACACGCGTCACCAGTGCCTGCTGCCGGGCCTCCTGATGCTCCA[G>C]CGCCCACTTCACTTCCCCCTGCAGCTGTGGGGCACACAGGGCTGGCTGGATGAGACCCTA-3'
Protein context (NP_001364959.1, residues 163-183): SGLQGEVKWA[Leu173Val]EHQEARQQAL

ClinVar aggregate classification (germline): Uncertain significance (1 of 4 stars; one submission).

Conditions:
Congenital myopathy with internal nuclei and atypical cores. Also called: Myopathy, centronuclear, 4. Identifiers: Orphanet 319160, MedGen C4707232, MONDO:0013890, OMIM 614807.

Submission:

Labcorp Genetics (formerly Invitae), Labcorp
Classification: Uncertain significance for Congenital myopathy with internal nuclei and atypical cores. Last evaluated: 2022-06-23. Review status: criteria provided, single submitter. Criteria: Invitae Variant Classification Sherloc (09022015). Collection method: clinical testing. Allele origin: germline.
Comment: In summary, the available evidence is currently insufficient to determine the role of this variant in disease. Therefore, it has been classified as a Variant of Uncertain Significance. Algorithms developed to predict the effect of missense changes on protein structure and function are either unavailable or do not agree on the potential impact of this missense change (SIFT: "Tolerated"; PolyPhen-2: "Possibly Damaging"; Align-GVGD: "Class C0"). This variant has not been reported in the literature in individuals affected with CCDC78-related conditions. This variant is not present in population databases (gnomAD no frequency). This sequence change replaces leucine, which is neutral and non-polar, with valine, which is neutral and non-polar, at codon 173 of the CCDC78 protein (p.Leu173Val).